The following is an entry in ClinVar:

NM_018706.7(DHTKD1):c.2689G>A (p.Val897Ile)

Gene: DHTKD1 (dehydrogenase E1 and transketolase domain containing 1; plus strand). Cytogenetic location: 10p14.
Variant type: single nucleotide variant.
Coding change: c.2689G>A on transcript NM_018706.7 (MANE Select); coding-DNA position 2689, G replaced by A.
Protein change: p.Val897Ile; replaces valine 897 with isoleucine.
Molecular consequence: missense variant.
Genome position (GRCh38, 1-based): chr10:12,120,817, G>A. VCF-style: chr10-12120817-G-A. GRCh37 (hg19) VCF-style: chr10-12162816-G-A.
Other names: short protein forms V897I.
Identifiers: ClinVar variation 2199141 (VCV002199141.4), dbSNP rs149672309, ClinGen allele CA5408374.

ClinVar aggregate classification (germline): Uncertain significance (1 of 4 stars; one submission).

Conditions:
2-aminoadipic 2-oxoadipic aciduria (AAKAD). Also called: ALPHA-AMINOADIPIC AND ALPHA-KETOADIPIC ACIDURIA; Aminoadipic aciduria. Identifiers: Orphanet 79154, MedGen C1859817, MONDO:0008774, OMIM 204750.

Allele frequency attached by ClinVar (database versions not stated): gnomAD exomes 0.00001; ExAC 0.00002; gnomAD 0.00007; TOPMed 0.00008; ESP Exome Variant Server 0.00023.
gnomAD v4.1: 19 of 1,613,980 alleles (0.0012%); highest among the groups gnomAD compares: African/African-American, 0.024%; no homozygotes.

Submission:

Labcorp Genetics (formerly Invitae), Labcorp
Classification: Uncertain significance for 2-aminoadipic 2-oxoadipic aciduria. Last evaluated: 2025-08-27. Review status: criteria provided, single submitter. Criteria: Invitae Variant Classification Sherloc (09022015). Collection method: clinical testing. Allele origin: germline.
Comment: This sequence change replaces valine, which is neutral and non-polar, with isoleucine, which is neutral and non-polar, at codon 897 of the DHTKD1 protein (p.Val897Ile). This variant is present in population databases (rs149672309, gnomAD 0.008%). This variant has not been reported in the literature in individuals affected with DHTKD1-related conditions. ClinVar contains an entry for this variant (Variation ID: 2199141). Invitae Evidence Modeling of protein sequence and biophysical properties (such as structural, functional, and spatial information, amino acid conservation, physicochemical variation, residue mobility, and thermodynamic stability) indicates that this missense variant is not expected to disrupt DHTKD1 protein function with a negative predictive value of 80%. In summary, the available evidence is currently insufficient to determine the role of this variant in disease. Therefore, it has been classified as a Variant of Uncertain Significance.